The following is an entry in ClinVar:

ClinVar aggregate classification (germline): Uncertain significance. Review status: criteria provided, multiple submitters, no conflicts (2 of 4 stars). 3 submissions from 3 submitters: Uncertain significance (3). Last evaluated 2025-09-10.

Conditions:
Short-rib thoracic dysplasia 8 with or without polydactyly (SRTD8). Also called: SHORT-RIB THORACIC DYSPLASIA 8 WITH POLYDACTYLY. Identifiers: Orphanet 93271, MedGen C3809691, MONDO:0014214, OMIM 615503.
Inborn genetic diseases. Identifiers: MedGen C0950123, MeSH D030342.

Allele frequency attached by ClinVar (database versions not stated): gnomAD 0.00041 and 0.00044; TOPMed 0.00043; 1000 Genomes Project 0.00120; 1000 Genomes Project 30x 0.00141; ESP Exome Variant Server 0.00017; gnomAD exomes 0.00022 and 0.00026; ExAC 0.00030.
gnomAD v4.1: 451 of 1,613,324 alleles (0.028%); highest among the groups gnomAD compares: African/African-American, 0.12%; 1 homozygote.

Submissions (3):

Ambry Genetics
Classification: Uncertain significance for Inborn genetic diseases. Last evaluated: 2025-09-10. Review status: criteria provided, single submitter. Criteria: Ambry Variant Classification Scheme 2023. Collection method: clinical testing. Allele origin: germline.

Labcorp Genetics (formerly Invitae), Labcorp
Classification: Uncertain significance for Short-rib thoracic dysplasia 8 with or without polydactyly. Last evaluated: 2022-09-07. Review status: criteria provided, single submitter. Criteria: Invitae Variant Classification Sherloc (09022015). Collection method: clinical testing. Allele origin: germline.
Comment: This sequence change replaces alanine, which is neutral and non-polar, with threonine, which is neutral and polar, at codon 800 of the WDR60 protein (p.Ala800Thr). This variant is present in population databases (rs115070314, gnomAD 0.2%), including at least one homozygous and/or hemizygous individual. This variant has not been reported in the literature in individuals affected with WDR60-related conditions. ClinVar contains an entry for this variant (Variation ID: 1680713). Algorithms developed to predict the effect of missense changes on protein structure and function are either unavailable or do not agree on the potential impact of this missense change (SIFT: "Tolerated"; PolyPhen-2: "Possibly Damaging"; Align-GVGD: "Class C0"). In summary, the available evidence is currently insufficient to determine the role of this variant in disease. Therefore, it has been classified as a Variant of Uncertain Significance.

Breakthrough Genomics
Classification: Uncertain significance. Review status: criteria provided, single submitter. Criteria: ACMG Guidelines, 2015. Collection method: not provided. Allele origin: germline. Inheritance: Autosomal recessive inheritance. Affected: yes.

NM_018051.5(DYNC2I1):c.2398G>A (p.Ala800Thr)

Gene: DYNC2I1 (dynein 2 intermediate chain 1; plus strand). Cytogenetic location: 7q36.3.
Variant type: single nucleotide variant.
Coding change: c.2398G>A on transcript NM_018051.5 (MANE Select); coding-DNA position 2398, G replaced by A.
Protein change: p.Ala800Thr; replaces alanine 800 with threonine.
Molecular consequence: missense variant.
Genome position (GRCh38, 1-based): chr7:158,926,428, G>A. VCF-style: chr7-158926428-G-A. GRCh37 (hg19) VCF-style: chr7-158719119-G-A.
Other names: c.2260G>A, p.Ala754Thr (NM_001350914.2); c.1825G>A, p.Ala609Thr (NM_001350915.2); c.937G>A, p.Ala313Thr (NM_001350916.2); c.1150G>A, p.Ala384Thr (NM_001350917.2, NM_001350918.2); c.2398G>A (NM_018051.4); short protein forms A313T, A384T, A609T, A754T, A800T.
Identifiers: ClinVar variation 1680713 (VCV001680713.5), dbSNP rs115070314, ClinGen allele CA4594985.
Genomic context (GRCh38, chr7:158,926,428, plus strand): 5'-GCCATTTCTTTCTTTTTGTTTCTGTCTTCATCAGAAATGTCAGGTTTGTCCTTCCACATC[G>A]CTTCCTTGGATGAGAGTGGGGTTCTCAATGTATGGGTGAGTAGTGGCCCAGGCCGGGCAC-3'
Protein context (NP_060521.4, residues 790-810): EEMSGLSFHI[Ala800Thr]SLDESGVLNV